The following is an entry in ClinVar:

NM_022132.5(MCCC2):c.1433C>G (p.Ala478Gly)

Gene: MCCC2 (methylcrotonyl-CoA carboxylase subunit 2; plus strand). Cytogenetic location: 5q13.2.
Variant type: single nucleotide variant.
Coding change: c.1433C>G on transcript NM_022132.5 (MANE Select); coding-DNA position 1433, C replaced by G.
Protein change: p.Ala478Gly; replaces alanine 478 with glycine.
Molecular consequence: missense variant.
Genome position (GRCh38, 1-based): chr5:71,650,128, C>G. VCF-style: chr5-71650128-C-G. GRCh37 (hg19) VCF-style: chr5-70945955-C-G.
Other names: p.A478G:GCA>GGA; c.1319C>G, p.Ala440Gly (NM_001363147.1); short protein forms A478G, A440G.
Identifiers: ClinVar variation 96030 (VCV000096030.56), dbSNP rs35068278, ClinGen allele CA285755.

ClinVar aggregate classification (germline): Conflicting classifications of pathogenicity. Review status: criteria provided, conflicting classifications (1 of 4 stars). 14 submissions from 14 submitters: Likely pathogenic (2); Uncertain significance (11). 1 of the submissions does not count toward it. Last evaluated 2026-09-22.

Conditions:
MCCC2-related disorder. Also called: MCCC2-related condition.
Likely inborn error of metabolism.
Inborn genetic diseases. Identifiers: MedGen C0950123, MeSH D030342.
Methylcrotonyl-CoA carboxylase deficiency. Also called: 3 Methylcrotonylglycinuria; 3-MCC Deficiency; Deficiency of methylcrotonoyl-CoA carboxylase. Identifiers: Orphanet 6, MedGen C4551505, MONDO:0018950.
3-methylcrotonyl-CoA carboxylase 2 deficiency. Also called: METHYLCROTONYLGLYCINURIA, TYPE II; 3 alpha methylcrotonyl-CoA carboxylase 2 deficiency; 3 alpha methylcrotonylglycinuria 2; MCC 2 deficiency; Methylcrotonylglycinuria type 2. Identifiers: Orphanet 6, MedGen C1859499, MONDO:0008862, OMIM 210210.

Allele frequency attached by ClinVar (database versions not stated): ExAC 0.00043; gnomAD exomes 0.00047 and 0.00145; gnomAD 0.00080 and 0.00082; TOPMed 0.00080; ESP Exome Variant Server 0.00161.
gnomAD v4.1: 2,334 of 1,614,060 alleles (0.14%); highest among the groups gnomAD compares: Non-Finnish European, 0.18%; 5 homozygotes.

Submissions (14):

PreventionGenetics, part of Exact Sciences
Classification: Uncertain significance for MCCC2-related condition. Last evaluated: 2026-09-22. Review status: criteria provided, single submitter. Criteria: ACMG Guidelines, 2015. Collection method: clinical testing. Allele origin: germline.
Comment: The MCCC2 c.1433C>G variant is predicted to result in the amino acid substitution p.Ala478Gly. This variant has been reported in the heterozygous state alone in an individual with seizures and developmental delay (Table S3, Salfati et al. 2019. PubMed ID: 31847883). This variant has also been reported in the compound heterozygous state with an additional MCCC2 variant as variants of interest in an autism spectrum disorders cohort study (Table S5, Bar et al. 2024. PubMed ID: 38256266). Additionally, a different missense change impacting the same amino acid (p.Ala478Pro) has been reported in an individual with an abnormal newborn screen and follow up confirmatory biochemical testing consistent with 3-methylcrotonyl-CoA carboxylase (3-MCC) deficiency (Cheng et al. 2023. PubMed ID: 36822454). The c.1433C>G, (p.Ala478Gly) variant is reported in 0.099% of alleles in individuals of European (non-Finnish) descent in gnomAD. However, in gnomAD v4 (available only on GRCh38), this variant is reported in 0.29% of alleles in a subpopulation, including 5 homozygotes. This population data is relatively high for a pathogenic variant and suggests this may be a mild variant. This variant has conflicting classifications in the ClinVar database ranging from uncertain to likely pathogenic (Variation ID: 96030). At this time, the clinical significance of the c.1433C>G (p.Ala478Gly) variant is uncertain due to the absence of conclusive functional and genetic evidence.

NHS Central & South Genomic Laboratory Hub
Classification: Uncertain significance for Likely inborn error of metabolism. Last evaluated: 2026-04-22. Review status: criteria provided, single submitter. Criteria: ACMG Guidelines, 2015. Collection method: clinical testing. Allele origin: germline. Affected: yes.

Labcorp Genetics (formerly Invitae), Labcorp
Classification: Likely pathogenic for 3-methylcrotonyl-CoA carboxylase 2 deficiency. Last evaluated: 2026-01-18. Review status: criteria provided, single submitter. Criteria: Invitae Variant Classification Sherloc (09022015). Collection method: clinical testing. Allele origin: germline.
Comment: This sequence change replaces alanine, which is neutral and non-polar, with glycine, which is neutral and non-polar, at codon 478 of the MCCC2 protein (p.Ala478Gly). This variant is present in population databases (rs35068278, gnomAD 0.1%), and has an allele count higher than expected for a pathogenic variant. This missense change has been observed in individual(s) with 3 Methylcrotonyl-CoA carboxylase deficiency (internal data). In at least one individual the data is consistent with being in trans (on the opposite chromosome) from a pathogenic variant. ClinVar contains an entry for this variant (Variation ID: 96030). Invitae Evidence Modeling of protein sequence and biophysical properties (such as structural, functional, and spatial information, amino acid conservation, physicochemical variation, residue mobility, and thermodynamic stability) has been performed for this missense variant. However, the output from this modeling did not meet the statistical confidence thresholds required to predict the impact of this variant on MCCC2 protein function. In summary, the currently available evidence indicates that the variant is pathogenic, but additional data are needed to prove that conclusively. Therefore, this variant has been classified as Likely Pathogenic.

Dasa
Classification: Uncertain significance. Last evaluated: 2025-10-29. Review status: criteria provided, single submitter. Criteria: DASA Assertion Criteria. Collection method: clinical testing. Allele origin: germline.
Comment: NM_022132.5(MCCC2):c.1433C>G (p.Ala478Gly) is a missense variant that results in the substitution of alanine with glycine. This variant has been recurrently observed in individuals with MCCC2-related disorders (PMID: 38256266; PMID: 31847883). Also, this variant is rare in population databases. Computational prediction algorithms are consistent with a deleterious effect. The currently available literature and clinical evidence are not sufficient to establish a definitive association between this variant and the reported condition. Therefore, this variant is classified as a variant of uncertain significance.

Women's Health and Genetics/Laboratory Corporation of America, LabCorp
Classification: Uncertain significance. Last evaluated: 2025-05-15. Review status: criteria provided, single submitter. Criteria: LabCorp Variant Classification Summary - May 2015. Collection method: clinical testing. Allele origin: germline.
Comment: Variant summary: MCCC2 c.1433C>G (p.Ala478Gly) results in a non-conservative amino acid change located in the Acetyl-coenzyme A carboxyltransferase, C-terminal domain (IPR011763) of the encoded protein sequence. Algorithms developed to predict the effect of missense changes on protein structure and function all suggest that this variant is likely to be disruptive. The variant allele was found at a frequency of 0.00047 in 251382 control chromosomes. This frequency is not significantly higher than estimated for a pathogenic variant in MCCC2 causing Methylcrotonyl-CoA Carboxylase Deficiency (0.00047 vs 0.0042), allowing no conclusion about variant significance. c.1433C>G has been reported in the literature in at least one individual affected with Infantile spasms and uncontrolled seizures (e.g. Salfati_2019). These report(s) do not provide unequivocal conclusions about association of the variant with Methylcrotonyl-CoA Carboxylase Deficiency. To our knowledge, no experimental evidence demonstrating an impact on protein function has been reported. The following publications have been ascertained in the context of this evaluation (PMID: 31847883, 38256266). ClinVar contains an entry for this variant (Variation ID: 96030). Based on the evidence outlined above, the variant was classified as uncertain significance.

Blueprint Genetics
Classification: Uncertain significance. Last evaluated: 2024-11-11. Review status: criteria provided, single submitter. Criteria: ACMG Guidelines, 2015. Collection method: clinical testing. Allele origin: germline.

GeneDx
Classification: Uncertain significance. Last evaluated: 2024-06-15. Review status: criteria provided, single submitter. Criteria: GeneDx Variant Classification Process June 2021. Collection method: clinical testing. Allele origin: germline. Affected: yes.
Comment: Reported as heterozygous in an individual with seizures and developmental delay who also had a de novo variant in PP2D1 and a variant in SCN9A (PMID: 31847883); In silico analysis supports that this missense variant has a deleterious effect on protein structure/function; This variant is associated with the following publications: (PMID: 31847883)

CeGaT Center for Human Genetics Tuebingen
Classification: Uncertain significance. Last evaluated: 2024-02-01. Review status: criteria provided, single submitter. Criteria: CeGaT Center For Human Genetics Tuebingen Variant Classification Criteria Version 2. Collection method: clinical testing. Allele origin: germline. Affected: yes. Observed: 1 variant allele.
Comment: MCCC2: PM5

Department of Pathology and Laboratory Medicine, Sinai Health System
Classification: Uncertain significance for 3-methylcrotonyl-CoA carboxylase 2 deficiency. Last evaluated: 2023-01-10. Review status: criteria provided, single submitter. Criteria: ACMG Guidelines, 2015. Collection method: research. Allele origin: germline.

Ambry Genetics
Classification: Uncertain significance for Inborn genetic diseases. Last evaluated: 2022-05-02. Review status: criteria provided, single submitter. Criteria: Ambry Variant Classification Scheme 2023. Collection method: clinical testing. Allele origin: germline.
Comment: The c.1433C>G (p.A478G) alteration is located in exon 15 (coding exon 15) of the MCCC2 gene. This alteration results from a C to G substitution at nucleotide position 1433, causing the alanine (A) at amino acid position 478 to be replaced by a glycine (G). Based on data from the Genome Aggregation Database (gnomAD) database, the MCCC2 c.1433C>G alteration was observed in 0.05% (145/282,790) of total alleles studied, with a frequency of 0.1% (128/129,106) in the European (non-Finnish) subpopulation. The p.A478G alteration is predicted to be deleterious by in silico analysis. Based on insufficient or conflicting evidence, the clinical significance of this alteration remains unclear.

Fulgent Genetics
Classification: Uncertain significance for 3-methylcrotonyl-CoA carboxylase 2 deficiency. Last evaluated: 2018-10-31. Review status: criteria provided, single submitter. Criteria: ACMG Guidelines, 2015. Collection method: clinical testing. Allele origin: unknown.

Eurofins Ntd Llc (ga)
Classification: Likely pathogenic. Last evaluated: 2018-05-15. Review status: criteria provided, single submitter. Criteria: EGL ClinVar v180209 classification definitions. Collection method: clinical testing. Allele origin: germline. Observed: 5 variant alleles, 5 heterozygotes.

Illumina Laboratory Services, Illumina
Classification: Uncertain significance for 3-methylcrotonyl-CoA carboxylase 2 deficiency. Last evaluated: 2018-01-13. Review status: criteria provided, single submitter. Criteria: ICSL Variant Classification Criteria 13 December 2019. Collection method: clinical testing. Allele origin: germline.

Natera, Inc.
Classification: Uncertain significance for 3-methylcrotonylglycinuria. Last evaluated: 2020-09-16. Review status: no assertion criteria provided. Collection method: clinical testing. Allele origin: germline. Not counted in ClinVar's aggregate classification.

Literature cited by the submitters: PubMed 38256266 (cited by Dasa and Women's Health and Genetics/Laboratory Corporation of America, LabCorp); PubMed 31847883 (cited by Dasa and Women's Health and Genetics/Laboratory Corporation of America, LabCorp).